The following is an entry in ClinVar:

ClinVar aggregate classification (germline): Uncertain significance (1 of 4 stars; one submission).

Allele frequency attached by ClinVar (database versions not stated): gnomAD 0.00008; TOPMed 0.00009; gnomAD exomes 0.00010; ExAC 0.00026.
gnomAD v4.1: 153 of 1,532,490 alleles (0.01%); highest among the groups gnomAD compares: Middle Eastern, 0.42%; no homozygotes.

Submission:

CeGaT Center for Human Genetics Tuebingen
Classification: Uncertain significance. Last evaluated: 2023-07-01. Review status: criteria provided, single submitter. Criteria: CeGaT Center For Human Genetics Tuebingen Variant Classification Criteria Version 2. Collection method: clinical testing. Allele origin: germline. Affected: yes. Observed: 1 variant allele.
Comment: CFAP44: PM2, BP4

NM_001164496.2(CFAP44):c.4108G>A (p.Val1370Ile)

Genes: CFAP44 (cilia and flagella associated protein 44; minus strand), SPICE1-CFAP44 (SPICE1-CFAP44 readthrough (NMD candidate); minus strand). Cytogenetic location: 3q13.2.
Variant type: single nucleotide variant.
Coding change: c.4108G>A on transcript NM_001164496.2 (MANE Select); coding-DNA position 4108, G replaced by A.
Protein change: p.Val1370Ile; replaces valine 1370 with isoleucine.
Molecular consequence: missense variant. On other transcripts: non-coding transcript variant (6).
Genome position (GRCh38, 1-based): chr3:113,330,176, C>T on the plus strand (G>A on the coding strand, the complement: CFAP44 is on the minus strand). VCF-style: chr3-113330176-C-T. GRCh37 (hg19) VCF-style: chr3-113049023-C-T.
Other names: short protein forms V1370I.
Identifiers: ClinVar variation 2654042 (VCV002654042.24), dbSNP rs748434148, ClinGen allele CA2543671.
Genomic context (GRCh38, chr3:113,330,176, plus strand): 5'-TTCCCTTCTCTTCTCTCTTTCAGCTTTAACTAGGAACAGGTTCACCCCTTACCCTGTTGA[C>T]CAAATACTGTTGCATGTACACGTGTTTAATCTCGTCTCTCTTCATAATTTCCAGCTCCAC-3'
Protein context (NP_001157968.1, residues 1360-1380): IKHVYMQQYL[Val1370Ile]NRIKELVVTF